The following is an entry in ClinVar:

NM_001904.4(CTNNB1):c.1118del (p.Pro373fs)

Gene: CTNNB1 (catenin beta 1; plus strand). Cytogenetic location: 3p22.1.
Variant type: Deletion.
Coding change: c.1118del on transcript NM_001904.4 (MANE Select); coding-DNA position 1118, one base deleted (C; older notation c.1118delC).
Protein change: p.Pro373fs; shifts the reading frame from proline 373.
Molecular consequence: frameshift variant.
Genome position (GRCh38, 1-based): chr3:41,233,377, C deleted; the last of 2 consecutive C bases (chr3:41,233,376-41,233,377); deleting either gives the same sequence. VCF-style (leftmost placement, unchanged base first): chr3-41233375-TC-T. GRCh37 (hg19) VCF-style: chr3-41274866-TC-T.
Other names: c.1118del, p.Pro373fs (NM_001098209.2, NM_001098210.2); c.1097del, p.Pro366fs (NM_001330729.2); short protein forms P366fs, P373fs.
Identifiers: ClinVar variation 873490 (VCV000873490.4), dbSNP rs2078356915, ClinGen allele CA1139658007.

ClinVar aggregate classification (germline): Likely pathogenic (1 of 4 stars; one submission).

Conditions:
CTNNB1-related syndromic intellectual disability.

Submission:

Illumina Laboratory Services, Illumina
Classification: Likely pathogenic for CTNNB1-related syndromic intellectual disability. Last evaluated: 2020-01-22. Review status: criteria provided, single submitter. Criteria: ICSLVariantClassificationCriteria RUGD 01 April 2020. Collection method: clinical testing. Allele origin: unknown.
Comment: The CTNNB1 c.1118delC (p.Pro373GlnfsTer42) variant results in a frameshift and is predicted to result in an absent or prematurely truncated protein product. A literature search was performed for the gene, cDNA change, and amino acid change. No publications were found based on this search. This variant is not found in the Genome Aggregation Database, in a region of good sequence coverage so it is presumed to be rare. Based on the known impact of null variants in the CTNNB1 gene and its rarity, the p.Pro373GlnfsTer42 variant is classified as likely pathogenic for CTNNB1-related syndromic intellectual disability.